The following is an entry in ClinVar:

NM_130384.3(ATRIP):c.2123C>T (p.Pro708Leu)

Genes: ATRIP (ATR interacting protein; plus strand), ATRIP-TREX1 (ATRIP-TREX1 readthrough; plus strand). Cytogenetic location: 3p21.31.
Variant type: single nucleotide variant.
Coding change: c.2123C>T on transcript NM_130384.3 (MANE Select); coding-DNA position 2123, C replaced by T.
Protein change: p.Pro708Leu; replaces proline 708 with leucine.
Molecular consequence: missense variant. On other transcripts: non-coding transcript variant (1).
Genome position (GRCh38, 1-based): chr3:48,464,898, C>T. VCF-style: chr3-48464898-C-T. GRCh37 (hg19) VCF-style: chr3-48506297-C-T.
Other names: c.1742C>T, p.Pro581Leu (NM_001271022.2); c.1844C>T, p.Pro615Leu (NM_001271023.2); c.2042C>T, p.Pro681Leu (NM_032166.4); short protein forms P581L, P681L, P615L, P708L.
Identifiers: ClinVar variation 4644613 (VCV004644613.1).

ClinVar aggregate classification (germline): Uncertain significance (1 of 4 stars; one submission).

Submission:

Ambry Genetics
Classification: Uncertain significance. Last evaluated: 2025-12-13. Review status: criteria provided, single submitter. Criteria: Ambry Variant Classification Scheme 2023. Collection method: clinical testing. Allele origin: germline.
Comment: The p.P708L variant (also known as c.2123C>T), located in coding exon 12 of the ATRIP gene, results from a C to T substitution at nucleotide position 2123. The proline at codon 708 is replaced by leucine, an amino acid with similar properties. This amino acid position is conserved. In addition, this alteration is predicted to be tolerated by in silico analysis. Based on the available evidence, the clinical significance of this variant remains unclear.